The following is an entry in ClinVar:

NM_019066.5(MAGEL2):c.3128G>A (p.Arg1043His)

Gene: MAGEL2 (MAGE family member L2; minus strand). Cytogenetic location: 15q11.2.
Variant type: single nucleotide variant.
Coding change: c.3128G>A on transcript NM_019066.5 (MANE Select); coding-DNA position 3128, G replaced by A.
Protein change: p.Arg1043His; replaces arginine 1043 with histidine.
Molecular consequence: missense variant.
Genome position (GRCh38, 1-based): chr15:23,644,615, C>T on the plus strand (G>A on the coding strand, the complement: MAGEL2 is on the minus strand). VCF-style: chr15-23644615-C-T. GRCh37 (hg19) VCF-style: chr15-23889762-C-T.
Other names: c.3128G>A (NM_019066.4); short protein forms R1043H.
Identifiers: ClinVar variation 2188865 (VCV002188865.6), dbSNP rs371613799, ClinGen allele CA7429741.
Genomic context (GRCh38, chr15:23,644,615, plus strand): 5'-TTGATGATATCTAAGCACTCATCTTTATACTCTCGGAGGATGACTTTCACCATCTCCGAG[C>T]GCTGGACAGGCACCTTGGCTTGGTCCTTGACTAAGAGGAACTGCACCAACGCATTTGCCC-3'
Protein context (NP_061939.3, residues 1033-1053): VKDQAKVPVQ[Arg1043His]SEMVKVILRE

ClinVar aggregate classification (germline): Conflicting classifications of pathogenicity. Review status: criteria provided, conflicting classifications (1 of 4 stars). 3 submissions from 3 submitters: Uncertain significance (1); Likely benign (1). 1 of the submissions does not count toward it. Last evaluated 2025-08-29.

Conditions:
MAGEL2-related disorder. Also called: MAGEL2-related condition.
Inborn genetic diseases. Identifiers: MedGen C0950123, MeSH D030342.

Allele frequency attached by ClinVar (database versions not stated): ExAC 0.00003; gnomAD 0.00004; TOPMed 0.00007; ESP Exome Variant Server 0.00008.
gnomAD v4.1: 17 of 1,613,748 alleles (0.0011%); highest among the groups gnomAD compares: African/African-American, 0.017%; no homozygotes.

Submissions (3):

Labcorp Genetics (formerly Invitae), Labcorp
Classification: Uncertain significance. Last evaluated: 2025-08-29. Review status: criteria provided, single submitter. Criteria: Invitae Variant Classification Sherloc (09022015). Collection method: clinical testing. Allele origin: germline.
Comment: This sequence change replaces arginine, which is basic and polar, with histidine, which is basic and polar, at codon 1043 of the MAGEL2 protein (p.Arg1043His). This variant is present in population databases (rs371613799, gnomAD 0.03%). This variant has not been reported in the literature in individuals affected with MAGEL2-related conditions. ClinVar contains an entry for this variant (Variation ID: 2188865). Invitae Evidence Modeling of protein sequence and biophysical properties (such as structural, functional, and spatial information, amino acid conservation, physicochemical variation, residue mobility, and thermodynamic stability) indicates that this missense variant is not expected to disrupt MAGEL2 protein function with a negative predictive value of 80%. In summary, the available evidence is currently insufficient to determine the role of this variant in disease. Therefore, it has been classified as a Variant of Uncertain Significance.

Ambry Genetics
Classification: Likely benign for Inborn genetic diseases. Last evaluated: 2024-11-09. Review status: criteria provided, single submitter. Criteria: Ambry Variant Classification Scheme 2023. Collection method: clinical testing. Allele origin: germline.

PreventionGenetics, part of Exact Sciences
Classification: Uncertain significance for MAGEL2-related condition. Last evaluated: 2024-08-22. Review status: no assertion criteria provided. Collection method: clinical testing. Allele origin: germline. Not counted in ClinVar's aggregate classification.
Comment: The MAGEL2 c.3128G>A variant is predicted to result in the amino acid substitution p.Arg1043His. To our knowledge, this variant has not been reported in the literature. This variant is reported in 0.021% of alleles in individuals of African descent in gnomAD. At this time, the clinical significance of this variant is uncertain due to the absence of conclusive functional and genetic evidence.